The following is an entry in ClinVar:

NM_032119.4(ADGRV1):c.14888C>T (p.Thr4963Met)

Gene: ADGRV1 (adhesion G protein-coupled receptor V1; plus strand). Cytogenetic location: 5q14.3.
Variant type: single nucleotide variant.
Coding change: c.14888C>T on transcript NM_032119.4 (MANE Select); coding-DNA position 14888, C replaced by T.
Protein change: p.Thr4963Met; replaces threonine 4963 with methionine.
Molecular consequence: missense variant. On other transcripts: non-coding transcript variant (1).
Genome position (GRCh38, 1-based): chr5:90,807,653, C>T. VCF-style: chr5-90807653-C-T. GRCh37 (hg19) VCF-style: chr5-90103470-C-T.
Other names: c.14888C>T (NM_032119.3); short protein forms T4963M.
Identifiers: ClinVar variation 1412901 (VCV001412901.9), dbSNP rs375625863, ClinGen allele CA3341828.

ClinVar aggregate classification (germline): Conflicting classifications of pathogenicity. Review status: criteria provided, conflicting classifications (1 of 4 stars). 4 submissions from 4 submitters: Uncertain significance (3); Likely benign (1). Last evaluated 2026-08-26.

Conditions:
ADGRV1-related disorder. Also called: ADGRV1-related disorders; ADGRV1-related condition.
Inborn genetic diseases. Identifiers: MedGen C0950123, MeSH D030342.

Allele frequency attached by ClinVar (database versions not stated): ESP Exome Variant Server 0.00008; ExAC 0.00001; gnomAD exomes 0.00001; gnomAD 0.00003; TOPMed 0.00003.
gnomAD v4.1: 50 of 1,613,000 alleles (0.0031%); highest among the groups gnomAD compares: Non-Finnish European, 0.004%; no homozygotes.

Submissions (4):

PreventionGenetics, part of Exact Sciences
Classification: Uncertain significance for ADGRV1-related condition. Last evaluated: 2026-08-26. Review status: criteria provided, single submitter. Criteria: ACMG Guidelines, 2015. Collection method: clinical testing. Allele origin: germline.
Comment: The ADGRV1 c.14888C>T variant is predicted to result in the amino acid substitution p.Thr4963Met. To our knowledge, this variant has not been reported in the literature. This variant is reported in 0.0041% of alleles in individuals of African descent in gnomAD. At this time, the clinical significance of this variant is uncertain due to the absence of conclusive functional and genetic evidence.

Women's Health and Genetics/Laboratory Corporation of America, LabCorp
Classification: Uncertain significance. Last evaluated: 2026-05-13. Review status: criteria provided, single submitter. Criteria: LabCorp Variant Classification Summary - May 2015. Collection method: clinical testing. Allele origin: germline.
Comment: Variant summary: ADGRV1 c.14888C>T (p.Thr4963Met) results in a non-conservative amino acid change in the encoded protein sequence. Algorithms developed to predict the effect of missense changes on protein structure and function are either unavailable or do not agree on the potential impact of this missense change. The variant allele was found at a frequency of 1.2e-05 in 248980 control chromosomes. The available data on variant occurrences in the general population are insufficient to allow any conclusion about variant significance. To our knowledge, no occurrence of c.14888C>T in individuals affected with ADGRV1-related conditions and no experimental evidence demonstrating its impact on protein function have been reported. ClinVar contains an entry for this variant (Variation ID: 1412901). Based on the evidence outlined above, the variant was classified as uncertain significance.

Ambry Genetics
Classification: Uncertain significance for Inborn genetic diseases. Last evaluated: 2025-11-08. Review status: criteria provided, single submitter. Criteria: Ambry Variant Classification Scheme 2023. Collection method: clinical testing. Allele origin: germline.

Labcorp Genetics (formerly Invitae), Labcorp
Classification: Likely benign. Last evaluated: 2024-08-05. Review status: criteria provided, single submitter. Criteria: Invitae Variant Classification Sherloc (09022015). Collection method: clinical testing. Allele origin: germline.